The following is an entry in ClinVar:

NM_001142800.2(EYS):c.3183T>A (p.Asn1061Lys)

Gene: EYS (EGF-like photoreceptor maintenance factor; minus strand). Cytogenetic location: 6q12.
Variant type: single nucleotide variant.
Coding change: c.3183T>A on transcript NM_001142800.2 (MANE Select); coding-DNA position 3183, T replaced by A.
Protein change: p.Asn1061Lys; replaces asparagine 1061 with lysine.
Molecular consequence: missense variant.
Genome position (GRCh38, 1-based): chr6:64,821,705, A>T on the plus strand (T>A on the coding strand, the complement: EYS is on the minus strand). VCF-style: chr6-64821705-A-T. GRCh37 (hg19) VCF-style: chr6-65531598-A-T.
Other names: c.3183T>A, p.Asn1061Lys (NM_001292009.2); c.3183T>A (NM_001142800.1); short protein forms N1061K.
Identifiers: ClinVar variation 2198770 (VCV002198770.3), dbSNP rs1004230248, ClinGen allele CA140369105.

ClinVar aggregate classification (germline): Uncertain significance. Review status: criteria provided, multiple submitters, no conflicts (2 of 4 stars). 3 submissions from 3 submitters: Uncertain significance (3). Last evaluated 2024-10-09.

Conditions:
Inborn genetic diseases. Identifiers: MedGen C0950123, MeSH D030342.

Allele frequency attached by ClinVar (database versions not stated): gnomAD 0.00003; TOPMed 0.00005.
gnomAD v4.1: 31 of 1,524,194 alleles (0.002%); highest among the groups gnomAD compares: Admixed American, 0.006%; no homozygotes.

Submissions (3):

Ambry Genetics
Classification: Uncertain significance for Inborn genetic diseases. Last evaluated: 2024-10-09. Review status: criteria provided, single submitter. Criteria: Ambry Variant Classification Scheme 2023. Collection method: clinical testing. Allele origin: germline.

Blueprint Genetics
Classification: Uncertain significance. Last evaluated: 2022-10-14. Review status: criteria provided, single submitter. Criteria: ACMG Guidelines, 2015. Collection method: clinical testing. Allele origin: germline.

Labcorp Genetics (formerly Invitae), Labcorp
Classification: Uncertain significance. Last evaluated: 2022-06-14. Review status: criteria provided, single submitter. Criteria: Invitae Variant Classification Sherloc (09022015). Collection method: clinical testing. Allele origin: germline.
Comment: This sequence change replaces asparagine, which is neutral and polar, with lysine, which is basic and polar, at codon 1061 of the EYS protein (p.Asn1061Lys). This variant is present in population databases (no rsID available, gnomAD 0.006%). This variant has not been reported in the literature in individuals affected with EYS-related conditions. Algorithms developed to predict the effect of missense changes on protein structure and function (SIFT, PolyPhen-2, Align-GVGD) all suggest that this variant is likely to be tolerated. In summary, the available evidence is currently insufficient to determine the role of this variant in disease. Therefore, it has been classified as a Variant of Uncertain Significance.